The following is an entry in ClinVar:

NM_001605.3(AARS1):c.1705C>T (p.Arg569Ter)

Gene: AARS1 (alanyl-tRNA synthetase 1; minus strand). Cytogenetic location: 16q22.1.
Variant type: single nucleotide variant.
Coding change: c.1705C>T on transcript NM_001605.3 (MANE Select); coding-DNA position 1705, C replaced by T.
Protein change: p.Arg569Ter; replaces arginine 569 with a stop codon.
Molecular consequence: nonsense.
Genome position (GRCh38, 1-based): chr16:70,261,124, G>A on the plus strand (C>T on the coding strand, the complement: AARS1 is on the minus strand). VCF-style: chr16-70261124-G-A. GRCh37 (hg19) VCF-style: chr16-70295027-G-A.
Other names: short protein forms R569*.
Identifiers: ClinVar variation 1934342 (VCV001934342.5), dbSNP rs747434741, ClinGen allele CA8140710.

ClinVar aggregate classification (germline): Pathogenic (1 of 4 stars; one submission).

Conditions:
Charcot-Marie-Tooth disease type 2. Also called: Charcot-Marie-Tooth type 2. Identifiers: Orphanet 64746, MedGen C0270914, MONDO:0018993.

Allele frequency attached by ClinVar (database versions not stated): gnomAD 0.00001; gnomAD exomes 0.00002; ExAC 0.00001.

Submission:

Labcorp Genetics (formerly Invitae), Labcorp
Classification: Pathogenic for Charcot-Marie-Tooth disease type 2. Last evaluated: 2023-07-21. Review status: criteria provided, single submitter. Criteria: Invitae Variant Classification Sherloc (09022015). Collection method: clinical testing. Allele origin: germline.
Comment: For these reasons, this variant has been classified as Pathogenic. ClinVar contains an entry for this variant (Variation ID: 1934342). This variant has not been reported in the literature in individuals affected with AARS-related conditions. This variant is present in population databases (rs747434741, gnomAD 0.0009%). This sequence change creates a premature translational stop signal (p.Arg569*) in the AARS gene. It is expected to result in an absent or disrupted protein product. Loss-of-function variants in AARS are known to be pathogenic (PMID: 25817015, 28493438, 34446925).

Literature cited by the submitters: PubMed 25817015; PubMed 28493438; PubMed 34446925.